The following is an entry in ClinVar:

NM_003055.3(SLC18A3):c.1049C>T (p.Ala350Val)

Genes: CHAT (choline O-acetyltransferase; plus strand), SLC18A3 (solute carrier family 18 member A3; plus strand). Cytogenetic location: 10q11.23.
Variant type: single nucleotide variant.
Coding change: c.1049C>T on transcript NM_003055.3 (MANE Select); coding-DNA position 1049, C replaced by T.
Protein change: p.Ala350Val; replaces alanine 350 with valine.
Molecular consequence: missense variant. On other transcripts: intron variant (1).
Genome position (GRCh38, 1-based): chr10:49,611,789, C>T. VCF-style: chr10-49611789-C-T. GRCh37 (hg19) VCF-style: chr10-50819835-C-T.
Other names: c.-69+2590C>T (NM_020984.4); short protein forms A350V.
Identifiers: ClinVar variation 1935463 (VCV001935463.2), dbSNP rs777372251, ClinGen allele CA5496891.

ClinVar aggregate classification (germline): Uncertain significance (1 of 4 stars; one submission).

Allele frequency attached by ClinVar (database versions not stated): gnomAD exomes 0.00002; ExAC 0.00001; gnomAD 0.00002.
gnomAD v4.1: 30 of 1,602,786 alleles (0.0019%); highest among the groups gnomAD compares: Non-Finnish European, 0.0023%; no homozygotes.

Submission:

Labcorp Genetics (formerly Invitae), Labcorp
Classification: Uncertain significance. Last evaluated: 2022-01-22. Review status: criteria provided, single submitter. Criteria: Invitae Variant Classification Sherloc (09022015). Collection method: clinical testing. Allele origin: germline.
Comment: This sequence change replaces alanine, which is neutral and non-polar, with valine, which is neutral and non-polar, at codon 350 of the SLC18A3 protein (p.Ala350Val). This variant is present in population databases (rs777372251, gnomAD 0.01%). This variant has not been reported in the literature in individuals affected with SLC18A3-related conditions. Algorithms developed to predict the effect of missense changes on protein structure and function (SIFT, PolyPhen-2, Align-GVGD) all suggest that this variant is likely to be tolerated. In summary, the available evidence is currently insufficient to determine the role of this variant in disease. Therefore, it has been classified as a Variant of Uncertain Significance.